The following is an entry in ClinVar:

ClinVar aggregate classification (germline): Likely benign (1 of 4 stars; one submission).

Submission:

CeGaT Center for Human Genetics Tuebingen
Classification: Likely benign. Last evaluated: 2026-08-01. Review status: criteria provided, single submitter. Criteria: CeGaT Center For Human Genetics Tuebingen Variant Classification Criteria Version 2. Collection method: clinical testing. Allele origin: germline. Affected: yes. Observed: 1 variant allele.
Comment: PARP4: PM2:Supporting, BP4, BP7

NM_006437.4(PARP4):c.471G>A (p.Leu157=)

Gene: PARP4 (poly(ADP-ribose) polymerase family member 4; minus strand). Cytogenetic location: 13q12.12.
Variant type: single nucleotide variant.
Coding change: c.471G>A on transcript NM_006437.4 (MANE Select); coding-DNA position 471, G replaced by A.
Protein change: p.Leu157=; no amino-acid change (leucine 157 retained).
Molecular consequence: synonymous variant.
Genome position (GRCh38, 1-based): chr13:24,499,307, C>T on the plus strand (G>A on the coding strand, the complement: PARP4 is on the minus strand). VCF-style: chr13-24499307-C-T. GRCh37 (hg19) VCF-style: chr13-25073445-C-T.
Identifiers: ClinVar variation 5040735 (VCV005040735.1).